The following is an entry in ClinVar:

NM_005993.5(TBCD):c.3435G>A (p.Ala1145=)

Gene: TBCD (tubulin folding cofactor D). Cytogenetic location: 17q25.3.
Variant type: single nucleotide variant.
Coding change: c.3435G>A on transcript NM_005993.5 (MANE Select); coding-DNA position 3435, G replaced by A.
Protein change: p.Ala1145=; no amino-acid change (alanine 1145 retained).
Molecular consequence: synonymous variant.
Genome position (GRCh38, 1-based): chr17:82,939,432, G>A. VCF-style: chr17-82939432-G-A. GRCh37 (hg19) VCF-style: chr17-80897308-G-A.
Identifiers: ClinVar variation 916446 (VCV000916446.47), dbSNP rs373699857, ClinGen allele CA8863631.

ClinVar aggregate classification (germline): Likely benign. Review status: criteria provided, multiple submitters, no conflicts (2 of 4 stars). 4 submissions from 4 submitters: Likely benign (4). Last evaluated 2025-04-30.

Allele frequency attached by ClinVar (database versions not stated): gnomAD 0.00006 and 0.00009; TOPMed 0.00010; ESP Exome Variant Server 0.00015; gnomAD exomes 0.00017 and 0.00020; ExAC 0.00018.
gnomAD v4.1: 261 of 1,613,640 alleles (0.016%); highest among the groups gnomAD compares: Middle Eastern, 0.84%; 3 homozygotes.

Submissions (4):

Labcorp Genetics (formerly Invitae), Labcorp
Classification: Likely benign. Last evaluated: 2025-04-30. Review status: criteria provided, single submitter. Criteria: Invitae Variant Classification Sherloc (09022015). Collection method: clinical testing. Allele origin: germline.

Blueprint Genetics
Classification: Likely benign. Last evaluated: 2024-11-18. Review status: criteria provided, single submitter. Criteria: ACMG Guidelines, 2015. Collection method: clinical testing. Allele origin: germline.

CeGaT Center for Human Genetics Tuebingen
Classification: Likely benign. Last evaluated: 2022-05-01. Review status: criteria provided, single submitter. Criteria: CeGaT Center For Human Genetics Tuebingen Variant Classification Criteria Version 2. Collection method: clinical testing. Allele origin: germline. Affected: yes. Observed: 2 variant alleles.
Comment: TBCD: BP4, BP7

Breakthrough Genomics
Classification: Likely benign. Review status: criteria provided, single submitter. Criteria: ACMG Guidelines, 2015. Collection method: not provided. Allele origin: germline. Inheritance: Autosomal recessive inheritance. Affected: yes.